The following is an entry in ClinVar:

NM_000051.4(ATM):c.1688_1695del (p.Met563fs)

Gene: ATM (ATM serine/threonine kinase; plus strand). Cytogenetic location: 11q22.3.
Variant type: Deletion.
Coding change: c.1688_1695del on transcript NM_000051.4 (MANE Select); coding-DNA positions 1688 to 1695, 8 bases deleted (TGTGTGAA; older notation c.1688_1695delTGTGTGAA).
Protein change: p.Met563fs; shifts the reading frame from methionine 563.
Molecular consequence: frameshift variant.
Genome position (GRCh38, 1-based): chr11:108,251,917-108,251,924, TGTGTGAA deleted; deleting any 8 consecutive bases within chr11:108,251,916-108,251,924 gives the same sequence; the c. name uses the placement nearest the transcript's 3' end. VCF-style (leftmost placement, unchanged base first): chr11-108251915-TATGTGTGA-T. GRCh37 (hg19) VCF-style: chr11-108122642-TATGTGTGA-T.
Other names: c.1688_1695del, p.Met563fs (NM_001351834.2); short protein forms M563fs.
Identifiers: ClinVar variation 3148549 (VCV003148549.1), dbSNP rs2497269855, ClinGen allele CA2825001796.

ClinVar aggregate classification (germline): Pathogenic (1 of 4 stars; one submission).

Conditions:
Familial cancer of breast. Also called: BREAST CANCER, FAMILIAL; Hereditary breast cancer; hereditary breast carcinoma. Identifiers: Orphanet 227535, MedGen C0346153, MONDO:0016419, OMIM 114480. Disease mechanism: loss of function.

Submission:

Myriad Genetics, Inc.
Classification: Pathogenic for Familial cancer of breast. Last evaluated: 2024-01-16. Review status: criteria provided, single submitter. Criteria: Myriad Autosomal Dominant, Autosomal Recessive and X-Linked Classification Criteria (2023). Collection method: clinical testing. Allele origin: unknown.
Comment: This variant is considered pathogenic. This variant creates a frameshift predicted to result in premature protein truncation.